The following is an entry in ClinVar:

ClinVar aggregate classification (germline): Conflicting classifications of pathogenicity. Review status: criteria provided, conflicting classifications (1 of 4 stars). 2 submissions from 2 submitters: Uncertain significance (1); Likely benign (1). Last evaluated 2025-04-16.

Conditions:
Inborn genetic diseases. Identifiers: MedGen C0950123, MeSH D030342.

Allele frequency attached by ClinVar (database versions not stated): TOPMed 0.00001; ExAC 0.00003; 1000 Genomes Project 0.00040; 1000 Genomes Project 30x 0.00062; gnomAD 0.00003.
gnomAD v4.1: 24 of 1,612,914 alleles (0.0015%); highest among the groups gnomAD compares: East Asian, 0.045%; no homozygotes.

Submissions (2):

Ambry Genetics
Classification: Likely benign for Inborn genetic diseases. Last evaluated: 2025-04-16. Review status: criteria provided, single submitter. Criteria: Ambry Variant Classification Scheme 2023. Collection method: clinical testing. Allele origin: germline.

Labcorp Genetics (formerly Invitae), Labcorp
Classification: Uncertain significance. Last evaluated: 2024-06-03. Review status: criteria provided, single submitter. Criteria: Invitae Variant Classification Sherloc (09022015). Collection method: clinical testing. Allele origin: germline.
Comment: This sequence change replaces alanine, which is neutral and non-polar, with glycine, which is neutral and non-polar, at codon 1397 of the ADAMTS13 protein (p.Ala1397Gly). This variant is present in population databases (rs587750566, gnomAD 0.07%). This variant has not been reported in the literature in individuals affected with ADAMTS13-related conditions. ClinVar contains an entry for this variant (Variation ID: 1912883). Algorithms developed to predict the effect of missense changes on protein structure and function output the following: SIFT: "Not Available"; PolyPhen-2: "Benign"; Align-GVGD: "Not Available". The glycine amino acid residue is found in multiple mammalian species, which suggests that this missense change does not adversely affect protein function. In summary, the available evidence is currently insufficient to determine the role of this variant in disease. Therefore, it has been classified as a Variant of Uncertain Significance.

NM_139027.6(ADAMTS13):c.4022C>G (p.Ala1341Gly)

Gene: ADAMTS13 (ADAM metallopeptidase with thrombospondin type 1 motif 13; plus strand). Cytogenetic location: 9q34.2.
Variant type: single nucleotide variant.
Coding change: c.4022C>G on transcript NM_139027.6 (MANE Select); coding-DNA position 4022, C replaced by G.
Protein change: p.Ala1341Gly; replaces alanine 1341 with glycine.
Molecular consequence: missense variant. On other transcripts: non-coding transcript variant (1).
Genome position (GRCh38, 1-based): chr9:133,459,086, C>G. VCF-style: chr9-133459086-C-G. GRCh37 (hg19) VCF-style: chr9-136324208-C-G.
Other names: c.4190C>G, p.Ala1397Gly (NM_139025.5); c.3929C>G, p.Ala1310Gly (NM_139026.6); c.4190C>G (NM_139025.3); short protein forms A1310G, A1341G, A1397G.
Identifiers: ClinVar variation 1912883 (VCV001912883.5), dbSNP rs587750566, ClinGen allele CA200947664.
Genomic context (GRCh38, chr9:133,459,086, plus strand): 5'-TCTACTGGGAGTCAGAGAGCAGCCAGGCTGAGATGGAGTTCAGCGAGGGCTTCCTGAAGG[C>G]TCAGGCCAGCCTGCGGGGCCAGTACTGGACCCTCCAATCATGGGTACCGGAGATGCAGGA-3'
Protein context (NP_620596.2, residues 1331-1351): EMEFSEGFLK[Ala1341Gly]QASLRGQYWT